The following is an entry in ClinVar:

ClinVar aggregate classification (germline): Uncertain significance (1 of 4 stars; one submission).

Conditions:
Inborn genetic diseases. Identifiers: MedGen C0950123, MeSH D030342.

Submission:

Ambry Genetics
Classification: Uncertain significance for Inborn genetic diseases. Last evaluated: 2021-05-16. Review status: criteria provided, single submitter. Criteria: Ambry Variant Classification Scheme 2023. Collection method: clinical testing. Allele origin: germline.
Comment: The c.90_95+5dupGAAGAGGTGAG alteration is located in between Exon 1 and Intron 1 (E) of the SYNJ1 gene. This alteration consists of a duplication of 11 nucleotides between nucleotide positions c.90 and c.955 within between Exon 1 and Intron 1 (E). Based on insufficient or conflicting evidence, the clinical significance of this alteration remains unclear.

NM_203446.3(SYNJ1):c.-28_-23+5dup

Gene: SYNJ1 (synaptojanin 1; minus strand). Cytogenetic location: 21q22.11.
Variant type: Duplication.
Coding change: c.-28_-23+5dup on transcript NM_203446.3 (MANE Select); 28 bases upstream of the start codon through 5 bases into the intron after 23 bases upstream of the start codon, 11 bases duplicated (GAAGAGGTGAG).
Molecular consequence: splice donor variant.
Genome position (GRCh38, 1-based): chr21:32,727,941-32,727,951, CTCACCTCTTC duplicated on the plus strand (GAAGAGGTGAG on the coding strand, the reverse complement: SYNJ1 is on the minus strand); duplicating any 11 consecutive bases within chr21:32,727,941-32,727,954 gives the same sequence; the c. name uses the placement nearest the transcript's 3' end. VCF-style (leftmost placement, unchanged base first): chr21-32727940-G-GCTCACCTCTTC. GRCh37 (hg19) VCF-style: chr21-34100251-G-GCTCACCTCTTC.
Other names: c.90_95+5dupGAAGAGGTGAG (NM_003895.3); c.90_95+5dup (NM_003895.4).
Identifiers: ClinVar variation 2230881 (VCV002230881.2), dbSNP rs2517085721, ClinGen allele CA2580098568.